The following is an entry in ClinVar:

ClinVar aggregate classification (germline): Conflicting classifications of pathogenicity. Review status: criteria provided, conflicting classifications (1 of 4 stars). 7 submissions from 7 submitters: Uncertain significance (6); Likely benign (1). Last evaluated 2025-07-09.

Conditions:
Thyrotoxic periodic paralysis, susceptibility to, 1 (TTPP1). Identifiers: Orphanet 79102, MedGen C2749982, MONDO:0008570, OMIM 188580.
Hypokalemic periodic paralysis, type 1. Also called: HypoPP; Hypokalemic Periodic Paralysis Type 1 (AD). Identifiers: Orphanet 681, MedGen C3714580, MONDO:0042979, OMIM 170400.
Malignant hyperthermia, susceptibility to, 5 (MHS5). Also called: CACNA1S-Related Malignant Hyperthermia Susceptibility. Identifiers: Orphanet 423, MedGen C1866077, MONDO:0011163, OMIM 601887.

Allele frequency attached by ClinVar (database versions not stated): ExAC 0.00004; gnomAD exomes 0.00004.
gnomAD v4.1: 18 of 1,613,542 alleles (0.0011%); highest among the groups gnomAD compares: East Asian, 0.013%; no homozygotes.

Submissions (7):

Color Diagnostics, LLC DBA Color Health
Classification: Uncertain significance for Malignant hyperthermia, susceptibility to, 5. Last evaluated: 2025-07-09. Review status: criteria provided, single submitter. Criteria: ACMG Guidelines, 2015. Collection method: clinical testing. Allele origin: germline.
Comment: This missense variant replaces arginine with histidine at codon 1472 of the CACNA1S protein. Computational prediction suggests that this variant may have deleterious impact on protein structure and function. To our knowledge, functional studies have not been reported for this variant. This variant has not been reported in individuals affected with CACNA1S-related disorders in the literature. This variant has been identified in 9/251166 chromosomes in the general population by the Genome Aggregation Database (gnomAD). The available evidence is insufficient to determine the role of this variant in disease conclusively. Therefore, this variant is classified as a Variant of Uncertain Significance.

Labcorp Genetics (formerly Invitae), Labcorp
Classification: Likely benign for Hypokalemic periodic paralysis, type 1; Malignant hyperthermia, susceptibility to, 5. Last evaluated: 2024-08-04. Review status: criteria provided, single submitter. Criteria: Invitae Variant Classification Sherloc (09022015). Collection method: clinical testing. Allele origin: germline.

All of Us Research Program, National Institutes of Health
Classification: Uncertain significance for Malignant hyperthermia, susceptibility to, 5. Last evaluated: 2023-08-15. Review status: criteria provided, single submitter. Criteria: ACMG Guidelines, 2015. Collection method: clinical testing. Allele origin: germline. Inheritance: Autosomal dominant inheritance. Observed: 4 variant alleles, 4 heterozygotes.
Comment: This study involves interpretation of variants in research participants for the purpose of population health screening. Participant phenotype was not available at the time of variant classification. Additional details can be found in publication PMID: 35346344, PMCID: PMC8962531

Revvity Omics, Revvity
Classification: Uncertain significance. Last evaluated: 2023-02-24. Review status: criteria provided, single submitter. Criteria: ACMG Guidelines, 2015. Collection method: clinical testing. Allele origin: germline.

GeneDx
Classification: Uncertain significance. Last evaluated: 2022-02-22. Review status: criteria provided, single submitter. Criteria: GeneDx Variant Classification Process June 2021. Collection method: clinical testing. Allele origin: germline. Affected: yes.
Comment: In silico analysis supports that this missense variant has a deleterious effect on protein structure/function; Has not been previously published as pathogenic or benign to our knowledge

Fulgent Genetics
Classification: Uncertain significance for Hypokalemic periodic paralysis, type 1; Thyrotoxic periodic paralysis, susceptibility to, 1; Malignant hyperthermia, susceptibility to, 5. Last evaluated: 2021-07-19. Review status: criteria provided, single submitter. Criteria: ACMG Guidelines, 2015. Collection method: clinical testing. Allele origin: unknown.

AiLife Diagnostics
Classification: Uncertain significance. Last evaluated: 2020-05-07. Review status: criteria provided, single submitter. Criteria: ACMG Guidelines, 2015. Collection method: clinical testing. Allele origin: germline. Affected: yes. Observed: 1 variant allele.

NM_000069.3(CACNA1S):c.4415G>A (p.Arg1472His)

Gene: CACNA1S (calcium voltage-gated channel subunit alpha1 S; minus strand). Cytogenetic location: 1q32.1.
Variant type: single nucleotide variant.
Coding change: c.4415G>A on transcript NM_000069.3 (MANE Select); coding-DNA position 4415, G replaced by A.
Protein change: p.Arg1472His; replaces arginine 1472 with histidine.
Molecular consequence: missense variant.
Genome position (GRCh38, 1-based): chr1:201,048,608, C>T on the plus strand (G>A on the coding strand, the complement: CACNA1S is on the minus strand). VCF-style: chr1-201048608-C-T. GRCh37 (hg19) VCF-style: chr1-201017736-C-T.
Other names: short protein forms R1472H.
Identifiers: ClinVar variation 1342775 (VCV001342775.12), dbSNP rs201463541, ClinGen allele CA083333.